The following is an entry in ClinVar:

NM_005502.4(ABCA1):c.3507C>A (p.Ser1169Arg)

Gene: ABCA1 (ATP binding cassette subfamily A member 1; minus strand). Cytogenetic location: 9q31.1.
Variant type: single nucleotide variant.
Coding change: c.3507C>A on transcript NM_005502.4 (MANE Select); coding-DNA position 3507, C replaced by A.
Protein change: p.Ser1169Arg; replaces serine 1169 with arginine.
Molecular consequence: missense variant.
Genome position (GRCh38, 1-based): chr9:104,817,360, G>T on the plus strand (C>A on the coding strand, the complement: ABCA1 is on the minus strand). VCF-style: chr9-104817360-G-T. GRCh37 (hg19) VCF-style: chr9-107579641-G-T.
Other names: short protein forms S1169R.
Identifiers: ClinVar variation 4825559 (VCV004825559.1).

ClinVar aggregate classification (germline): Uncertain significance (1 of 4 stars; one submission).

Conditions:
Cardiovascular phenotype. Identifiers: MedGen CN230736.

gnomAD v4.1: 1 of 1,614,148 alleles (0.000062%); highest among the groups gnomAD compares: South Asian, 0.0011%; no homozygotes.

Submission:

Ambry Genetics
Classification: Uncertain significance for Cardiovascular phenotype. Last evaluated: 2026-02-13. Review status: criteria provided, single submitter. Criteria: Ambry Variant Classification Scheme 2023. Collection method: clinical testing. Allele origin: germline.
Comment: The p.S1169R variant (also known as c.3507C>A), located in coding exon 23 of the ABCA1 gene, results from a C to A substitution at nucleotide position 3507. The serine at codon 1169 is replaced by arginine, an amino acid with dissimilar properties. This amino acid position is conserved. In addition, the in silico prediction for this alteration is inconclusive. Based on the available evidence, the clinical significance of this variant remains unclear.